The following is an entry in ClinVar:

NM_001134363.3(RBM20):c.1880G>A (p.Arg627Lys)

Gene: RBM20 (RNA binding motif protein 20; plus strand). Cytogenetic location: 10q25.2.
Variant type: single nucleotide variant.
Coding change: c.1880G>A on transcript NM_001134363.3 (MANE Select); coding-DNA position 1880, G replaced by A.
Protein change: p.Arg627Lys; replaces arginine 627 with lysine.
Molecular consequence: missense variant.
Genome position (GRCh38, 1-based): chr10:110,810,462, G>A. VCF-style: chr10-110810462-G-A. GRCh37 (hg19) VCF-style: chr10-112570220-G-A.
Other names: short protein forms R627K.
Identifiers: ClinVar variation 3431239 (VCV003431239.1).

ClinVar aggregate classification (germline): Uncertain significance (1 of 4 stars; one submission).

Conditions:
Cardiovascular phenotype. Identifiers: MedGen CN230736.

Submission:

Ambry Genetics
Classification: Uncertain significance for Cardiovascular phenotype. Last evaluated: 2024-10-11. Review status: criteria provided, single submitter. Criteria: Ambry Variant Classification Scheme 2023. Collection method: clinical testing. Allele origin: germline.
Comment: The p.R627K variant (also known as c.1880G>A), located in coding exon 8 of the RBM20 gene, results from a G to A substitution at nucleotide position 1880. The amino acid change results in arginine to lysine at codon 627, an amino acid with highly similar properties. However, this change occurs in the last base pair of coding exon 8, which makes it likely to have some effect on normal mRNA splicing. This nucleotide position is highly conserved in available vertebrate species. This amino acid position is highly conserved in available vertebrate species. In silico splice site analysis predicts that this alteration will weaken the native splice donor site. In addition, as a missense substitution, the in silico prediction for this alteration is inconclusive. However, loss of function of RBM20 has not been established as a mechanism of disease. Based on the available evidence, the clinical significance of this alteration remains unclear.